The following is an entry in ClinVar:

ClinVar aggregate classification (germline): Uncertain significance (1 of 4 stars; one submission).

Submission:

Dasa
Classification: Uncertain significance. Last evaluated: 2025-10-28. Review status: criteria provided, single submitter. Criteria: DASA Assertion Criteria. Collection method: clinical testing. Allele origin: germline.
Comment: NM_001394062.1(MACF1):c.9734C>A (p.Pro3245His) is a missense variant that results in the substitution of proline with histidine. This variant is absent from population databases. Computational prediction algorithms are consistent with a benign effect. The currently available literature and clinical evidence are not sufficient to establish a definitive association between this variant and the reported condition. Therefore, this variant is classified as a variant of uncertain significance.

NM_001394062.1(MACF1):c.9734C>A (p.Pro3245His)

Gene: MACF1 (microtubule actin crosslinking factor 1; plus strand). Cytogenetic location: 1p34.3.
Variant type: single nucleotide variant.
Coding change: c.9734C>A on transcript NM_001394062.1 (MANE Select); coding-DNA position 9734, C replaced by A.
Protein change: p.Pro3245His; replaces proline 3245 with histidine.
Molecular consequence: missense variant. On other transcripts: intron variant (1).
Genome position (GRCh38, 1-based): chr1:39,336,322, C>A. VCF-style: chr1-39336322-C-A. GRCh37 (hg19) VCF-style: chr1-39801994-C-A.
Other names: c.4629+8969C>A (NM_012090.5); short protein forms P3245H.
Identifiers: ClinVar variation 4885145 (VCV004885145.2).